The following is an entry in ClinVar:

ClinVar aggregate classification (germline): Likely benign. Review status: criteria provided, multiple submitters, no conflicts (2 of 4 stars). 4 submissions from 4 submitters: Likely benign (4). Last evaluated 2026-01-26.

Conditions:
Familial thoracic aortic aneurysm and aortic dissection (TAAD). Also called: Thoracic aortic aneurysms and dissections. Identifiers: Orphanet 91387, MedGen C4707243, MONDO:0019625.
Aortic aneurysm, familial thoracic 4 (AAT4). Also called: AORTIC ANEURYSM/AORTIC DISSECTION AND PATENT DUCTUS ARTERIOSUS. Identifiers: MedGen C1851504, MONDO:0007568, OMIM 132900.

Allele frequency attached by ClinVar (database versions not stated): TOPMed 0.00002; ExAC 0.00003; gnomAD 0.00003; gnomAD exomes 0.00005; 1000 Genomes Project 0.00060; 1000 Genomes Project 30x 0.00062.
gnomAD v4.1: 30 of 1,614,216 alleles (0.0019%); highest among the groups gnomAD compares: East Asian, 0.031%; no homozygotes.

Submissions (4):

Labcorp Genetics (formerly Invitae), Labcorp
Classification: Likely benign for Aortic aneurysm, familial thoracic 4. Last evaluated: 2026-01-26. Review status: criteria provided, single submitter. Criteria: Invitae Variant Classification Sherloc (09022015). Collection method: clinical testing. Allele origin: germline.

Ambry Genetics
Classification: Likely benign for Familial thoracic aortic aneurysm and aortic dissection. Last evaluated: 2025-06-10. Review status: criteria provided, single submitter. Criteria: Ambry Variant Classification Scheme 2023. Collection method: clinical testing. Allele origin: germline.

All of Us Research Program, National Institutes of Health
Classification: Likely benign for Familial thoracic aortic aneurysm and aortic dissection. Last evaluated: 2024-01-08. Review status: criteria provided, single submitter. Criteria: ACMG Guidelines, 2015. Collection method: clinical testing. Allele origin: germline. Inheritance: Autosomal dominant inheritance. Observed: 3 variant alleles, 3 heterozygotes.
Comment: This study involves interpretation of variants in research participants for the purpose of population health screening. Participant phenotype was not available at the time of variant classification. Additional details can be found in publication PMID: 35346344, PMCID: PMC8962531

Color Diagnostics, LLC DBA Color Health
Classification: Likely benign for Familial thoracic aortic aneurysm and aortic dissection. Last evaluated: 2018-11-25. Review status: criteria provided, single submitter. Criteria: ACMG Guidelines, 2015. Collection method: clinical testing. Allele origin: germline.

NM_002474.3(MYH11):c.5430C>T (p.Ser1810=)

Genes: NDE1 (nudE neurodevelopment protein 1; plus strand), MYH11 (myosin heavy chain 11; minus strand). Cytogenetic location: 16p13.11.
Variant type: single nucleotide variant.
Coding change: c.5430C>T on transcript NM_002474.3 (MANE Select); coding-DNA position 5430, C replaced by T.
Protein change: p.Ser1810=; no amino-acid change (serine 1810 retained).
Molecular consequence: synonymous variant. On other transcripts: intron variant (2).
Genome position (GRCh38, 1-based): chr16:15,717,214, G>A on the plus strand (C>T on the coding strand, the complement: MYH11 is on the minus strand). VCF-style: chr16-15717214-G-A. GRCh37 (hg19) VCF-style: chr16-15811071-G-A.
Other names: c.5430C>T (NM_002474.2); c.5451C>T, p.Ser1817= (NM_001040113.2, NM_001040114.2); c.5430C>T, p.Ser1810= (NM_022844.3); c.948-6977G>A (NM_001143979.2, NM_017668.3).
Identifiers: ClinVar variation 922283 (VCV000922283.14), dbSNP rs528569286, ClinGen allele CA7921273.
Genomic context (GRCh38, chr16:15,717,214, plus strand): 5'-GACCTGCTCCTCCAGCTGTGCAATCTTGGCCTCCAGCGCCGCGATGGTGGACTTGAACTT[G>A]GACTTGACGGCCCCCTCCATCTCGTGGAGCTTGCTCCGGAGCTCCTTGTTCTGCCGCTCG-3'
Protein context (NP_002465.1, residues 1800-1820): KLHEMEGAVK[Ser1810=]KFKSTIAALE